The following is an entry in ClinVar:

NM_005431.2(XRCC2):c.18T>C (p.His6=)

Gene: XRCC2 (X-ray repair cross complementing 2; minus strand). Cytogenetic location: 7q36.1.
Variant type: single nucleotide variant.
Coding change: c.18T>C on transcript NM_005431.2 (MANE Select); coding-DNA position 18, T replaced by C.
Protein change: p.His6=; no amino-acid change (histidine 6 retained).
Molecular consequence: synonymous variant.
Genome position (GRCh38, 1-based): chr7:152,676,062, A>G on the plus strand (T>C on the coding strand, the complement: XRCC2 is on the minus strand). VCF-style: chr7-152676062-A-G. GRCh37 (hg19) VCF-style: chr7-152373147-A-G.
Identifiers: ClinVar variation 1009283 (VCV001009283.8), dbSNP rs2098040949, ClinGen allele CA458805267.

ClinVar aggregate classification (germline): Uncertain significance (1 of 4 stars; one submission).

Allele frequency attached by ClinVar (database versions not stated): gnomAD exomes below 0.00001.
gnomAD v4.1: 1 of 1,613,744 alleles (0.000062%); highest among the groups gnomAD compares: South Asian, 0.0011%; no homozygotes.

Submission:

Labcorp Genetics (formerly Invitae), Labcorp
Classification: Uncertain significance. Last evaluated: 2018-06-30. Review status: criteria provided, single submitter. Criteria: Invitae Variant Classification Sherloc (09022015). Collection method: clinical testing. Allele origin: germline.
Comment: In summary, the available evidence is currently insufficient to determine the role of this variant in disease. Therefore, it has been classified as a Variant of Uncertain Significance. This variant has not been reported in the literature in individuals with XRCC2-related disease. This variant is not present in population databases (ExAC no frequency). This sequence change affects codon 6 of the XRCC2 mRNA. It is a 'silent' change, meaning that it does not change the encoded amino acid sequence of the XRCC2 protein.